The following is an entry in ClinVar:

NM_030653.4(DDX11):c.545C>G (p.Pro182Arg)

Gene: DDX11 (DEAD/H-box helicase 11; plus strand). Cytogenetic location: 12p11.21.
Variant type: single nucleotide variant.
Coding change: c.545C>G on transcript NM_030653.4 (MANE Select); coding-DNA position 545, C replaced by G.
Protein change: p.Pro182Arg; replaces proline 182 with arginine.
Molecular consequence: missense variant. On other transcripts: 5 prime UTR variant (3), non-coding transcript variant (4).
Genome position (GRCh38, 1-based): chr12:31,085,033, C>G. VCF-style: chr12-31085033-C-G. GRCh37 (hg19) VCF-style: chr12-31237967-C-G.
Other names: c.545C>G, p.Pro182Arg (NM_001257144.2, NM_001413692.1, NM_001413693.1 and 5 more transcripts); c.467C>G, p.Pro156Arg (NM_001257145.2, NM_001413697.1, NM_001413698.1 and 1 more transcripts); c.458C>G, p.Pro153Arg (NM_001413700.1); c.17C>G, p.Pro6Arg (NM_001413702.1, NM_001413703.1); c.-516C>G (NM_001413704.1, NM_001413705.1); c.-334C>G (NM_001413706.1); short protein forms P153R, P156R, P182R, P6R.
Identifiers: ClinVar variation 4535695 (VCV004535695.1).
Genomic context (GRCh38, chr12:31,085,033, plus strand): 5'-AGGAAGAAGAAGAAAGAGAGAATCTCCTCCGCCTCAGCAGGGAGATGCTAGAGACAGGCC[C>G]GGAGGCTGAGCGGCTGGAGCAGCTGGAGTCTGGGGAGGAGGAGCTGGTCCTCGCCGAATA-3'
Protein context (NP_085911.2, residues 172-192): RLSREMLETG[Pro182Arg]EAERLEQLES

ClinVar aggregate classification (germline): Uncertain significance (1 of 4 stars; one submission).

Submission:

Women's Health and Genetics/Laboratory Corporation of America, LabCorp
Classification: Uncertain significance. Last evaluated: 2025-09-05. Review status: criteria provided, single submitter. Criteria: LabCorp Variant Classification Summary - May 2015. Collection method: clinical testing. Allele origin: germline.
Comment: Variant summary: DDX11 c.545C>G (p.Pro182Arg) results in a non-conservative amino acid change in the encoded protein sequence. Algorithms developed to predict the effect of missense changes on protein structure and function are either unavailable or do not agree on the potential impact of this missense change. The variant allele was found at a frequency of 0.00025 in 243374 control chromosomes. This frequency is not significantly higher than estimated for disease-causing variants in DDX11, allowing no conclusion about variant significance. To our knowledge, no occurrence of c.545C>G in individuals affected with DDX11-related conditions and no experimental evidence demonstrating its impact on protein function have been reported. No submitters have cited clinical-significance assessments for this variant to ClinVar. Based on the evidence outlined above, the variant was classified as uncertain significance.